The following is an entry in ClinVar:

NM_018319.4(TDP1):c.*1460C>G

Gene: TDP1 (tyrosyl-DNA phosphodiesterase 1; plus strand). Cytogenetic location: 14q32.11.
Variant type: single nucleotide variant.
Coding change: c.*1460C>G on transcript NM_018319.4 (MANE Select); 1460 bases downstream of the stop codon, C replaced by G.
Molecular consequence: 3 prime UTR variant.
Genome position (GRCh38, 1-based): chr14:90,044,603, C>G. VCF-style: chr14-90044603-C-G. GRCh37 (hg19) VCF-style: chr14-90510947-C-G.
Other names: c.*1460C>G (NM_001008744.2); c.*1441C>G (NM_001330205.2).
Identifiers: ClinVar variation 314858 (VCV000314858.6), dbSNP rs35944390, ClinGen allele CA10641258.

ClinVar aggregate classification (germline): Benign. Review status: criteria provided, multiple submitters, no conflicts (2 of 4 stars). 2 submissions from 2 submitters: Benign (2). Last evaluated 2018-01-12.

Conditions:
Spinocerebellar ataxia, autosomal recessive, with axonal neuropathy 1 (SCAN1). Identifiers: Orphanet 94124, MedGen C4759870, MONDO:0011801, OMIM 607250.

Allele frequency attached by ClinVar (database versions not stated): gnomAD exomes 0.02439; gnomAD 0.05950; TOPMed 0.06236; 1000 Genomes Project 0.06969; 1000 Genomes Project 30x 0.07292.
gnomAD v4.1: 8,895 of 152,390 alleles (5.8%); highest among the groups gnomAD compares: African/African-American, 13%; 445 homozygotes.

Submissions (2):

Illumina Laboratory Services, Illumina
Classification: Benign for Spinocerebellar ataxia, autosomal recessive, with axonal neuropathy 1. Last evaluated: 2018-01-12. Review status: criteria provided, single submitter. Criteria: ICSL Variant Classification Criteria 13 December 2019. Collection method: clinical testing. Allele origin: germline.
Comment: This variant was observed in the ICSL laboratory as part of a predisposition screen in an ostensibly healthy population. It had not been previously curated by ICSL or reported in the Human Gene Mutation Database (HGMD: prior to June 1st, 2018), and was therefore a candidate for classification through an automated scoring system. Utilizing variant allele frequency, disease prevalence and penetrance estimates, and inheritance mode, an automated score was calculated to assess if this variant is too frequent to cause the disease. Based on the score and internal cut-off values, a variant classified as benign is not then subjected to further curation. The score for this variant resulted in a classification of benign for this disease.

Breakthrough Genomics
Classification: Benign. Review status: criteria provided, single submitter. Criteria: ACMG Guidelines, 2015. Collection method: not provided. Allele origin: germline. Inheritance: Autosomal recessive inheritance. Affected: yes.